The following is an entry in ClinVar:

NM_000186.4(CFH):c.3652T>G (p.Cys1218Gly)

Gene: CFH (complement factor H; plus strand). Cytogenetic location: 1q31.3.
Variant type: single nucleotide variant.
Coding change: c.3652T>G on transcript NM_000186.4 (MANE Select); coding-DNA position 3652, T replaced by G.
Protein change: p.Cys1218Gly; replaces cysteine 1218 with glycine.
Molecular consequence: missense variant.
Genome position (GRCh38, 1-based): chr1:196,747,269, T>G. VCF-style: chr1-196747269-T-G. GRCh37 (hg19) VCF-style: chr1-196716399-T-G.
Other names: short protein forms C1218G.
Identifiers: ClinVar variation 4291639 (VCV004291639.1).
Genomic context (GRCh38, chr1:196,747,269, plus strand): 5'-GAATTTGTGTGTAAACGGGGATATCGTCTTTCATCACGTTCTCACACATTGCGAACAACA[T>G]GTTGGGATGGGAAACTGGAGTATCCAACTTGTGCAAAAAGATAGAATCAATCATAAAGTG-3'
Protein context (NP_000177.2, residues 1208-1228): SSRSHTLRTT[Cys1218Gly]WDGKLEYPTC

ClinVar aggregate classification (germline): Uncertain significance (1 of 4 stars; one submission).

Conditions:
Age related macular degeneration 4. Identifiers: MedGen C1853147, MONDO:0012540, OMIM 610698.

Submission:

Genomenon, Inc
Classification: Uncertain significance for Age related macular degeneration 4. Last evaluated: 2025-10-02. Review status: criteria provided, single submitter. Criteria: Genomenon Sequence Variant Interpretation Standards - Updated. Collection method: curation. Allele origin: germline. Affected: yes.
Comment: CFH p.Cys1218Gly (c.3652T>G) is a missense variant that changes the amino acid at residue 1218 from Cysteine to Glycine. This variant has been observed in at least one proband affected with age-related macular degeneration (PMID:34508573). It is absent or not present at a significant frequency in gnomAD. In silico models agree that this variant is possibly or probably damaging. In conclusion, we classify CFH p.Cys1218Gly (c.3652T>G) as a variant of uncertain significance.

Literature cited by the submitters: PubMed 34508573.